The following is an entry in ClinVar:

ClinVar aggregate classification (germline): Benign/Likely benign. Review status: criteria provided, multiple submitters, no conflicts (2 of 4 stars). 6 submissions from 6 submitters: Benign (2); Likely benign (4). Last evaluated 2026-04-17.

Conditions:
DICER1-related disorder. Also called: DICER1-related condition.
Hereditary cancer-predisposing syndrome. Also called: Hereditary neoplastic syndrome; Neoplastic Syndromes, Hereditary; Hereditary Cancer Syndrome; Tumor predisposition. Identifiers: Orphanet 140162, MedGen C0027672, MeSH D009386, MONDO:0015356.
DICER1-related tumor predisposition. Also called: DICER1 syndrome; DICER1-related pleuropulmonary blastoma cancer predisposition syndrome. Identifiers: Orphanet 284343, MedGen C3839822, MONDO:0100216.
Pleuropulmonary blastoma (PPB). Identifiers: Orphanet 64742, MedGen C1266144, MONDO:0011014, OMIM 601200, HP:0100528.

Allele frequency attached by ClinVar (database versions not stated): gnomAD 0.00001; gnomAD exomes 0.00002 and 0.00003; TOPMed 0.00002; ExAC 0.00005; 1000 Genomes Project 30x 0.00016; 1000 Genomes Project 0.00020.
gnomAD v4.1: 13 of 1,614,182 alleles (0.00081%); highest among the groups gnomAD compares: Admixed American, 0.005%; no homozygotes.

Submissions (6):

Myriad Genetics, Inc.
Classification: Benign for DICER1-related tumor predisposition. Last evaluated: 2026-04-17. Review status: criteria provided, single submitter. Criteria: Myriad Autosomal Dominant, Autosomal Recessive and X-Linked Classification Criteria (2023). Collection method: clinical testing. Allele origin: unknown.
Comment: This variant is considered benign. This variant is a silent/synonymous amino acid change and it is not expected to impact splicing.

PreventionGenetics, part of Exact Sciences
Classification: Likely benign for DICER1-related condition. Last evaluated: 2026-04-15. Review status: criteria provided, single submitter. Criteria: ACMG Guidelines, 2015. Collection method: clinical testing. Allele origin: germline.
Comment: This variant is classified as likely benign based on ACMG/AMP sequence variant interpretation guidelines (Richards et al. 2015 PMID: 25741868, with internal and published modifications).

Labcorp Genetics (formerly Invitae), Labcorp
Classification: Likely benign for DICER1-related tumor predisposition. Last evaluated: 2026-01-28. Review status: criteria provided, single submitter. Criteria: Invitae Variant Classification Sherloc (09022015). Collection method: clinical testing. Allele origin: germline.

KCCC/NGS Laboratory, Kuwait Cancer Control Center
Classification: Benign for Pleuropulmonary blastoma. Last evaluated: 2025-02-01. Review status: criteria provided, single submitter. Criteria: ACMG Guidelines, 2015. Collection method: clinical testing. Allele origin: germline. Affected: no.

CeGaT Center for Human Genetics Tuebingen
Classification: Likely benign. Last evaluated: 2022-12-01. Review status: criteria provided, single submitter. Criteria: CeGaT Center For Human Genetics Tuebingen Variant Classification Criteria Version 2. Collection method: clinical testing. Allele origin: germline. Affected: yes. Observed: 1 variant allele.
Comment: DICER1: BP4, BP7

Ambry Genetics
Classification: Likely benign for Hereditary cancer-predisposing syndrome. Last evaluated: 2017-08-12. Review status: criteria provided, single submitter. Criteria: Ambry Variant Classification Scheme 2023. Collection method: clinical testing. Allele origin: germline.

NM_177438.3(DICER1):c.3675C>T (p.Tyr1225=)

Gene: DICER1 (dicer 1, ribonuclease III; minus strand). Cytogenetic location: 14q32.13.
Variant type: single nucleotide variant.
Coding change: c.3675C>T on transcript NM_177438.3 (MANE Select); coding-DNA position 3675, C replaced by T.
Protein change: p.Tyr1225=; no amino-acid change (tyrosine 1225 retained).
Molecular consequence: synonymous variant.
Genome position (GRCh38, 1-based): chr14:95,103,721, G>A on the plus strand (C>T on the coding strand, the complement: DICER1 is on the minus strand). VCF-style: chr14-95103721-G-A. GRCh37 (hg19) VCF-style: chr14-95570058-G-A.
Other names: c.3675C>T, p.Tyr1225= (NM_001195573.1, NM_001271282.3, NM_001291628.2 and 1 more transcripts).
Identifiers: ClinVar variation 485526 (VCV000485526.43), dbSNP rs184830847, ClinGen allele CA7331007.